The following is an entry in ClinVar:

ClinVar aggregate classification (germline): Pathogenic/Likely pathogenic. Review status: criteria provided, multiple submitters, no conflicts (2 of 4 stars). 3 submissions from 3 submitters: Pathogenic (1); Likely pathogenic (1). 1 of the submissions does not count toward it. Last evaluated 2025-02-13.

Conditions:
Cohen syndrome (COH1). Also called: Cutis verticis gyrata, retinitis pigmentosa, and sensorineural deafness; PEPPER SYNDROME. Identifiers: Orphanet 193, MedGen C0265223, MONDO:0008999, OMIM 216550.

Allele frequency attached by ClinVar (database versions not stated): gnomAD exomes below 0.00001.
gnomAD v4.1: 1 of 1,613,574 alleles (0.000062%); highest among the groups gnomAD compares: Non-Finnish European, 0.000085%; no homozygotes.

Submissions (3):

Natera, Inc.
Classification: Likely pathogenic for Cohen syndrome. Last evaluated: 2025-02-13. Review status: criteria provided, single submitter. Criteria: Natera Variant Classification Schema (03/2026). Collection method: clinical testing. Allele origin: germline.
Comment: The c.9760C>T variant in VPS13B is a nonsense variant predicted to introduce a stop codon at amino acid 3254. This variant is expected to result in nonsense mediated decay, truncation, or a dysfunctional protein product. This variant is rare in the general population with a frequency below the threshold expected for the associated phenotype(s). Given the available evidence, this variant is classified as Likely Pathogenic.

Labcorp Genetics (formerly Invitae), Labcorp
Classification: Pathogenic for Cohen syndrome. Last evaluated: 2024-11-12. Review status: criteria provided, single submitter. Criteria: Invitae Variant Classification Sherloc (09022015). Collection method: clinical testing. Allele origin: germline.
Comment: This sequence change creates a premature translational stop signal (p.Arg3254*) in the VPS13B gene. It is expected to result in an absent or disrupted protein product. Loss-of-function variants in VPS13B are known to be pathogenic (PMID: 15141358, 16648375, 20461111). This variant is not present in population databases (gnomAD no frequency). This variant has not been reported in the literature in individuals affected with VPS13B-related conditions. ClinVar contains an entry for this variant (Variation ID: 370254). For these reasons, this variant has been classified as Pathogenic.

Counsyl
Classification: Likely pathogenic for Cohen syndrome. Last evaluated: 2015-12-28. Review status: no assertion criteria provided. Collection method: clinical testing. Allele origin: unknown. Not counted in ClinVar's aggregate classification.

Literature cited by the submitters: PubMed 15141358 (cited by Labcorp Genetics (formerly Invitae), Labcorp); PubMed 16648375 (cited by Labcorp Genetics (formerly Invitae), Labcorp); PubMed 20461111 (cited by Labcorp Genetics (formerly Invitae), Labcorp).

NM_152564.5(VPS13B):c.9685C>T (p.Arg3229Ter)

Gene: VPS13B (vacuolar protein sorting 13 homolog B; plus strand). Cytogenetic location: 8q22.2.
Variant type: single nucleotide variant.
Coding change: c.9685C>T on transcript NM_152564.5 (MANE Select); coding-DNA position 9685, C replaced by T.
Protein change: p.Arg3229Ter; replaces arginine 3229 with a stop codon.
Molecular consequence: nonsense.
Genome position (GRCh38, 1-based): chr8:99,835,267, C>T. VCF-style: chr8-99835267-C-T. GRCh37 (hg19) VCF-style: chr8-100847495-C-T.
Other names: c.9760C>T, p.Arg3254Ter (NM_017890.5); short protein forms R3229*, R3254*.
Identifiers: ClinVar variation 370254 (VCV000370254.8), dbSNP rs941969577, ClinGen allele CA16041264.